The following is an entry in ClinVar:

ClinVar aggregate classification (germline): Likely pathogenic (1 of 4 stars; one submission).

Conditions:
Polycystic kidney disease 2 (PKD2). Also called: Polycystic Kidney Disease 2, Autosomal Dominant; POLYCYSTIC KIDNEY DISEASE, ADULT, TYPE II; POLYCYSTIC KIDNEY DISEASE 2 WITH OR WITHOUT POLYCYSTIC LIVER DISEASE. Identifiers: MedGen C2751306, MONDO:0013131, OMIM 613095.

Submission:

CGC Genetics, Unilabs
Classification: Likely pathogenic for Polycystic kidney disease 2. Last evaluated: 2025-03-24. Review status: criteria provided, single submitter. Criteria: ACMG Guidelines, 2015. Collection method: clinical testing. Allele origin: germline. Inheritance: Autosomal dominant inheritance. Affected: yes. Observed: 1 variant allele.
Comment: The variant NM_000297.4:c.1967del p.(Leu656Trpfs*18), detected in heterozygosity in exon 9 (of 15) of the PKD2 gene (chr.4), has not been reported in the literature at the time of this submission, nor in gnomAD. This is a frameshift variant that introduces a premature stop codon, which in turn is expected to lead to the creation of a truncated protein and/or a reduction in its expression due to mRNA degradation. With the information currently available, this should be classified as a likely pathogenic variant. ACMG codes: PVS1; PM2_supporting.

NM_000297.4(PKD2):c.1967del (p.Leu656fs)

Gene: PKD2 (polycystin 2, transient receptor potential cation channel; plus strand). Cytogenetic location: 4q22.1.
Variant type: Deletion.
Coding change: c.1967del on transcript NM_000297.4 (MANE Select); coding-DNA position 1967, one base deleted (T; older notation c.1967delT).
Protein change: p.Leu656fs; shifts the reading frame from leucine 656.
Molecular consequence: frameshift variant.
Genome position (GRCh38, 1-based): chr4:88,058,051, T deleted; the last of 4 consecutive T bases (chr4:88,058,048-88,058,051); deleting any one gives the same sequence. VCF-style (leftmost placement, unchanged base first): chr4-88058047-GT-G. GRCh37 (hg19) VCF-style: chr4-88979199-GT-G.
Other names: short protein forms L656fs.
Identifiers: ClinVar variation 3900650 (VCV003900650.1).